The following is an entry in ClinVar:

ClinVar aggregate classification (germline): Likely pathogenic (1 of 4 stars; one submission).

Conditions:
MED13-related disorder. Also called: MED13-related condition.

Submission:

PreventionGenetics, part of Exact Sciences
Classification: Likely pathogenic for MED13-related condition. Last evaluated: 2024-12-30. Review status: criteria provided, single submitter. Criteria: ACMG Guidelines, 2015. Collection method: clinical testing. Allele origin: germline.
Comment: The MED13 c.5624-2A>G variant is predicted to disrupt the AG splice acceptor site and interfere with normal splicing. To our knowledge, this variant has not been reported in the literature or in a large population database (gnomAD), indicating this variant is rare. Variants that disrupt the consensus splice acceptor site in MED13 are expected to be pathogenic. This variant is interpreted as likely pathogenic.

NM_005121.3(MED13):c.5624-2A>G

Gene: MED13 (mediator complex subunit 13; minus strand). Cytogenetic location: 17q23.2.
Variant type: single nucleotide variant.
Coding change: c.5624-2A>G on transcript NM_005121.3 (MANE Select); the canonical splice acceptor site of the intron before coding-DNA position 5624, A replaced by G.
Molecular consequence: splice acceptor variant.
Genome position (GRCh38, 1-based): chr17:61,955,840, T>C on the plus strand (A>G on the coding strand, the complement: MED13 is on the minus strand). VCF-style: chr17-61955840-T-C. GRCh37 (hg19) VCF-style: chr17-60033201-T-C.
Identifiers: ClinVar variation 4983868 (VCV004983868.1).